The following is an entry in ClinVar:

NM_001365536.1(SCN9A):c.3121C>T (p.His1041Tyr)

Genes: SCN1A-AS1 (SCN1A and SCN9A antisense RNA 1; plus strand), SCN9A (sodium voltage-gated channel alpha subunit 9; minus strand). Cytogenetic location: 2q24.3.
Variant type: single nucleotide variant.
Coding change: c.3121C>T on transcript NM_001365536.1 (MANE Select); coding-DNA position 3121, C replaced by T.
Protein change: p.His1041Tyr; replaces histidine 1041 with tyrosine.
Molecular consequence: missense variant.
Genome position (GRCh38, 1-based): chr2:166,272,629, G>A on the plus strand (C>T on the coding strand, the complement: SCN9A is on the minus strand). VCF-style: chr2-166272629-G-A. GRCh37 (hg19) VCF-style: chr2-167129139-G-A.
Other names: c.3088C>T, p.His1030Tyr (NM_002977.4); short protein forms H1030Y, H1041Y.
Identifiers: ClinVar variation 1919772 (VCV001919772.5), dbSNP rs200163274, ClinGen allele CA349073777.

ClinVar aggregate classification (germline): Uncertain significance (1 of 4 stars; one submission).

Conditions:
Generalized epilepsy with febrile seizures plus, type 7 (GEFSP7). Also called: GEFS+, TYPE 7. Identifiers: Orphanet 36387, MedGen C2751778, MONDO:0013470, OMIM 613863.
Neuropathy, hereditary sensory and autonomic, type 2A (HSAN2A). Also called: HSAN IIA; MORVAN DISEASE; NEUROPATHY, CONGENITAL SENSORY; NEUROPATHY, HEREDITARY SENSORY RADICULAR, AUTOSOMAL RECESSIVE; NEUROPATHY, HEREDITARY SENSORY, TYPE IIA; NEUROPATHY, PROGRESSIVE SENSORY, OF CHILDREN. Identifiers: Orphanet 970, MedGen C2752089, MONDO:0024309, OMIM 201300.

Allele frequency attached by ClinVar (database versions not stated): gnomAD 0.00001.
gnomAD v4.1: 5 of 1,612,890 alleles (0.00031%); highest among the groups gnomAD compares: East Asian, 0.0022%; no homozygotes.

Submission:

Labcorp Genetics (formerly Invitae), Labcorp
Classification: Uncertain significance for Neuropathy, hereditary sensory and autonomic, type 2A; Generalized epilepsy with febrile seizures plus, type 7. Last evaluated: 2022-05-27. Review status: criteria provided, single submitter. Criteria: Invitae Variant Classification Sherloc (09022015). Collection method: clinical testing. Allele origin: germline.
Comment: In summary, the available evidence is currently insufficient to determine the role of this variant in disease. Therefore, it has been classified as a Variant of Uncertain Significance. Algorithms developed to predict the effect of missense changes on protein structure and function output the following: SIFT: "Tolerated"; PolyPhen-2: "Benign"; Align-GVGD: "Class C0". The tyrosine amino acid residue is found in multiple mammalian species, which suggests that this missense change does not adversely affect protein function. This variant has not been reported in the literature in individuals affected with SCN9A-related conditions. This variant is present in population databases (no rsID available, gnomAD 0.006%). This sequence change replaces histidine, which is basic and polar, with tyrosine, which is neutral and polar, at codon 1030 of the SCN9A protein (p.His1030Tyr).